The following is an entry in ClinVar:

NM_001035.3(RYR2):c.49-172C>T

Gene: RYR2 (ryanodine receptor 2; plus strand). Cytogenetic location: 1q43.
Variant type: single nucleotide variant.
Coding change: c.49-172C>T on transcript NM_001035.3 (MANE Select); 172 bases into the intron before coding-DNA position 49, C replaced by T.
Molecular consequence: intron variant.
Genome position (GRCh38, 1-based): chr1:237,270,325, C>T. VCF-style: chr1-237270325-C-T. GRCh37 (hg19) VCF-style: chr1-237433625-C-T.
Identifiers: ClinVar variation 672066 (VCV000672066.2), dbSNP rs2275287, ClinGen allele CA086793.

ClinVar aggregate classification (germline): Benign. Review status: criteria provided, multiple submitters, no conflicts (2 of 4 stars). 2 submissions from 2 submitters: Benign (2). Last evaluated 2018-06-15.

Allele frequency attached by ClinVar (database versions not stated): gnomAD exomes 0.33617 and 0.35596; gnomAD 0.34048 and 0.34611; TOPMed 0.34183; ExAC 0.37573; 1000 Genomes Project 30x 0.40287; 1000 Genomes Project 0.41154.
gnomAD v4.1: 305,254 of 902,560 alleles (34%); highest among the groups gnomAD compares: East Asian, 73%; 55,912 homozygotes.

Submissions (2):

GeneDx
Classification: Benign. Last evaluated: 2018-06-15. Review status: criteria provided, single submitter. Criteria: GeneDx Variant Classification (06012015). Collection method: clinical testing. Allele origin: germline. Affected: yes.
Comment: This variant is considered likely benign or benign based on one or more of the following criteria: it is a conservative change, it occurs at a poorly conserved position in the protein, it is predicted to be benign by multiple in silico algorithms, and/or has population frequency not consistent with disease.

Breakthrough Genomics
Classification: Benign. Review status: criteria provided, single submitter. Criteria: ACMG Guidelines, 2015. Collection method: not provided. Allele origin: germline. Inheritance: Autosomal dominant inheritance. Affected: yes.